The following is an entry in ClinVar:

NM_001374828.1(ARID1B):c.6951dup (p.Met2318fs)

Gene: ARID1B (AT-rich interaction domain 1B; plus strand). Cytogenetic location: 6q25.3.
Variant type: Duplication.
Coding change: c.6951dup on transcript NM_001374828.1 (MANE Select); coding-DNA position 6951, one base duplicated (G; older notation c.6951dupG).
Protein change: p.Met2318fs; shifts the reading frame from methionine 2318.
Molecular consequence: frameshift variant.
Genome position (GRCh38, 1-based): chr6:157,207,723, G duplicated. VCF-style (leftmost placement, unchanged base first): chr6-157207722-T-TG. GRCh37 (hg19) VCF-style: chr6-157528856-T-TG.
Other names: c.6702dup, p.Met2235Aspfs (NM_001346813.1); c.4452dup, p.Met1485fs (NM_001363725.2); c.6831dup, p.Met2278fs (NM_001371656.1, NM_001374820.1); c.6792dup, p.Met2265fs (NM_017519.3); c.6582dup, p.Met2195Aspfs (NM_020732.3); c.6369dup, p.Met2124Aspfs (NM_175863.2); short protein forms M2278fs, M2318fs, M1485fs, M2265fs.
Identifiers: ClinVar variation 2123466 (VCV002123466.4), dbSNP rs2538793796, ClinGen allele CA2580075287.

ClinVar aggregate classification (germline): Pathogenic (1 of 4 stars; one submission).

Submission:

Labcorp Genetics (formerly Invitae), Labcorp
Classification: Pathogenic. Last evaluated: 2023-07-14. Review status: criteria provided, single submitter. Criteria: Invitae Variant Classification Sherloc (09022015). Collection method: clinical testing. Allele origin: germline.
Comment: For these reasons, this variant has been classified as Pathogenic. This variant disrupts a region of the ARID1B protein in which other variant(s) (p.Ser2311* ) have been determined to be pathogenic (PMID: 31981384). This suggests that this is a clinically significant region of the protein, and that variants that disrupt it are likely to be disease-causing. Experimental studies and prediction algorithms are not available or were not evaluated, and the functional significance of this variant is currently unknown. ClinVar contains an entry for this variant (Variation ID: 2123466). This variant has not been reported in the literature in individuals affected with ARID1B-related conditions. This variant is not present in population databases (gnomAD no frequency). This sequence change creates a premature translational stop signal (p.Met2195Aspfs*47) in the ARID1B gene. While this is not anticipated to result in nonsense mediated decay, it is expected to disrupt the last 55 amino acid(s) of the ARID1B protein.

Literature cited by the submitters: PubMed 31981384.